The following is an entry in ClinVar:

NM_001854.4(COL11A1):c.3816C>T (p.Gly1272=)

Gene: COL11A1 (collagen type XI alpha 1 chain; minus strand). Cytogenetic location: 1p21.1.
Variant type: single nucleotide variant.
Coding change: c.3816C>T on transcript NM_001854.4 (MANE Select); coding-DNA position 3816, C replaced by T.
Protein change: p.Gly1272=; no amino-acid change (glycine 1272 retained).
Molecular consequence: synonymous variant. On other transcripts: non-coding transcript variant (1).
Genome position (GRCh38, 1-based): chr1:102,915,631, G>A on the plus strand (C>T on the coding strand, the complement: COL11A1 is on the minus strand). VCF-style: chr1-102915631-G-A. GRCh37 (hg19) VCF-style: chr1-103381187-G-A.
Other names: c.3816C>T (NM_001854.3); c.3699C>T, p.Gly1233= (NM_001190709.2); c.3852C>T, p.Gly1284= (NM_080629.3); c.3468C>T, p.Gly1156= (NM_080630.4).
Identifiers: ClinVar variation 1377299 (VCV001377299.7), dbSNP rs973061092, ClinGen allele CA419198337.

ClinVar aggregate classification (germline): Uncertain significance. Review status: criteria provided, multiple submitters, no conflicts (2 of 4 stars). 2 submissions from 2 submitters: Uncertain significance (2). Last evaluated 2024-07-08.

Allele frequency attached by ClinVar (database versions not stated): gnomAD exomes below 0.00001 and 0.00001; gnomAD 0.00001; TOPMed 0.00001.
gnomAD v4.1: 17 of 1,612,280 alleles (0.0011%); highest among the groups gnomAD compares: East Asian, 0.0022%; no homozygotes.

Submissions (2):

Labcorp Genetics (formerly Invitae), Labcorp
Classification: Uncertain significance. Last evaluated: 2024-07-08. Review status: criteria provided, single submitter. Criteria: Invitae Variant Classification Sherloc (09022015). Collection method: clinical testing. Allele origin: germline.
Comment: This sequence change affects codon 1272 of the COL11A1 mRNA. It is a 'silent' change, meaning that it does not change the encoded amino acid sequence of the COL11A1 protein. It affects a nucleotide within the consensus splice site. This variant is present in population databases (no rsID available, gnomAD 0.004%). This variant has not been reported in the literature in individuals affected with COL11A1-related conditions. ClinVar contains an entry for this variant (Variation ID: 1377299). Algorithms developed to predict the effect of sequence changes on RNA splicing suggest that this variant is not likely to affect RNA splicing. In summary, the available evidence is currently insufficient to determine the role of this variant in disease. Therefore, it has been classified as a Variant of Uncertain Significance.

GeneDx
Classification: Uncertain significance. Last evaluated: 2024-05-10. Review status: criteria provided, single submitter. Criteria: GeneDx Variant Classification Process June 2021. Collection method: clinical testing. Allele origin: germline. Affected: yes.
Comment: Not observed at significant frequency in large population cohorts (gnomAD); Has not been previously published as pathogenic or benign to our knowledge; In silico analysis suggests this variant may impact gene splicing; in the absence of RNA/functional studies the actual effect of this sequence change is unknown